The following is an entry in ClinVar:

NM_025137.4(SPG11):c.1675T>A (p.Ser559Thr)

Gene: SPG11 (SPG11 vesicle trafficking associated, spatacsin; minus strand). Cytogenetic location: 15q21.1.
Variant type: single nucleotide variant.
Coding change: c.1675T>A on transcript NM_025137.4 (MANE Select); coding-DNA position 1675, T replaced by A.
Protein change: p.Ser559Thr; replaces serine 559 with threonine.
Molecular consequence: missense variant.
Genome position (GRCh38, 1-based): chr15:44,633,565, A>T on the plus strand (T>A on the coding strand, the complement: SPG11 is on the minus strand). VCF-style: chr15-44633565-A-T. GRCh37 (hg19) VCF-style: chr15-44925763-A-T.
Other names: c.1675T>A, p.Ser559Thr (NM_001160227.2); short protein forms S559T.
Identifiers: ClinVar variation 1440842 (VCV001440842.5), dbSNP rs773680273, ClinGen allele CA7535477.
Genomic context (GRCh38, chr15:44,633,565, plus strand): 5'-TTCTTAAATATAAATGGGATGACAAGTGATCAAACTGATCAGATACAGAAGATTTTGAGG[A>T]TGGATTAAAAAGATTTTCCTTGCTCTTCAAAAAGAAATTTACTGTGTCCAGCTGACGATT-3'
Protein context (NP_079413.3, residues 549-569): LKSKENLFNP[Ser559Thr]SKSSVSDQFD

ClinVar aggregate classification (germline): Uncertain significance (1 of 4 stars; one submission).

Conditions:
Hereditary spastic paraplegia 11. Also called: Spastic Paraplegia 11; Spastic paraplegia, mental retardation and thin corpus callosum; SPASTIC PARAPLEGIA, AUTOSOMAL RECESSIVE, COMPLICATED, WITH THIN CORPUS CALLOSUM; SPASTIC PARAPLEGIA, AUTOSOMAL RECESSIVE, WITH MENTAL IMPAIRMENT AND THIN CORPUS CALLOSUM; Nakamura Osame syndrome; Autosomal recessive hereditary spastic paraplegia, mental impairment, and thin corpus callosum. Identifiers: Orphanet 2822, MedGen C1858479, MONDO:0011445, OMIM 604360.

Allele frequency attached by ClinVar (database versions not stated): gnomAD exomes below 0.00001 and 0.00001; ExAC 0.00001.
gnomAD v4.1: 8 of 1,612,636 alleles (0.0005%); highest among the groups gnomAD compares: Non-Finnish European, 0.00068%; no homozygotes.

Submission:

Labcorp Genetics (formerly Invitae), Labcorp
Classification: Uncertain significance for Hereditary spastic paraplegia 11. Last evaluated: 2021-08-27. Review status: criteria provided, single submitter. Criteria: Invitae Variant Classification Sherloc (09022015). Collection method: clinical testing. Allele origin: germline.
Comment: This sequence change replaces serine with threonine at codon 559 of the SPG11 protein (p.Ser559Thr). The serine residue is moderately conserved and there is a small physicochemical difference between serine and threonine. This variant is present in population databases (rs773680273, ExAC 0.002%). This variant has not been reported in the literature in individuals affected with SPG11-related conditions. Algorithms developed to predict the effect of missense changes on protein structure and function are either unavailable or do not agree on the potential impact of this missense change (SIFT: "Deleterious"; PolyPhen-2: "Probably Damaging"; Align-GVGD: "Class C0"). In summary, the available evidence is currently insufficient to determine the role of this variant in disease. Therefore, it has been classified as a Variant of Uncertain Significance.